The following is an entry in ClinVar:

ClinVar aggregate classification (germline): Uncertain significance. Review status: criteria provided, multiple submitters, no conflicts (2 of 4 stars). 2 submissions from 2 submitters: Uncertain significance (2). Last evaluated 2021-09-19.

Allele frequency attached by ClinVar (database versions not stated): gnomAD exomes below 0.00001 and 0.00001; ExAC 0.00004.
gnomAD v4.1: 4 of 1,580,168 alleles (0.00025%); highest among the groups gnomAD compares: Non-Finnish European, 0.00034%; no homozygotes.

Submissions (2):

Labcorp Genetics (formerly Invitae), Labcorp
Classification: Uncertain significance. Last evaluated: 2021-09-19. Review status: criteria provided, single submitter. Criteria: Invitae Variant Classification Sherloc (09022015). Collection method: clinical testing. Allele origin: germline.
Comment: In summary, the available evidence is currently insufficient to determine the role of this variant in disease. Therefore, it has been classified as a Variant of Uncertain Significance. This variant is present in population databases (rs767238639, ExAC 0.008%). Algorithms developed to predict the effect of missense changes on protein structure and function are either unavailable or do not agree on the potential impact of this missense change (SIFT: "Not Available"; PolyPhen-2: "Probably Damaging"; Align-GVGD: "Not Available"). ClinVar contains an entry for this variant (Variation ID: 499113). This variant has not been reported in the literature in individuals affected with TULP1-related conditions. This sequence change replaces proline with alanine at codon 436 of the TULP1 protein (p.Pro436Ala). The proline residue is highly conserved and there is a small physicochemical difference between proline and alanine.

Eurofins Ntd Llc (ga)
Classification: Uncertain significance. Last evaluated: 2016-12-29. Review status: criteria provided, single submitter. Criteria: EGL Classification Definitions 2015. Collection method: clinical testing. Allele origin: germline. Observed: 1 variant allele, 1 heterozygote.

NM_003322.6(TULP1):c.1306C>G (p.Pro436Ala)

Gene: TULP1 (TUB like protein 1; minus strand). Cytogenetic location: 6p21.31.
Variant type: single nucleotide variant.
Coding change: c.1306C>G on transcript NM_003322.6 (MANE Select); coding-DNA position 1306, C replaced by G.
Protein change: p.Pro436Ala; replaces proline 436 with alanine.
Molecular consequence: missense variant.
Genome position (GRCh38, 1-based): chr6:35,503,576, G>C on the plus strand (C>G on the coding strand, the complement: TULP1 is on the minus strand). VCF-style: chr6-35503576-G-C. GRCh37 (hg19) VCF-style: chr6-35471353-G-C.
Other names: c.1147C>G, p.Pro383Ala (NM_001289395.2); short protein forms P436A, P383A.
Identifiers: ClinVar variation 499113 (VCV000499113.10), dbSNP rs767238639, ClinGen allele CA3772601.